The following is an entry in ClinVar:

NM_130837.3(OPA1):c.2109T>C (p.Thr703=)

Gene: OPA1 (OPA1 mitochondrial dynamin like GTPase; plus strand). Cytogenetic location: 3q29.
Variant type: single nucleotide variant.
Coding change: c.2109T>C on transcript NM_130837.3 (MANE Select); coding-DNA position 2109, T replaced by C.
Protein change: p.Thr703=; no amino-acid change (threonine 703 retained).
Molecular consequence: synonymous variant.
Genome position (GRCh38, 1-based): chr3:193,654,958, T>C. VCF-style: chr3-193654958-T-C. GRCh37 (hg19) VCF-style: chr3-193372747-T-C.
Other names: c.2109T>C (NM_130837.2); c.1575T>C, p.Thr525= (NM_001354663.2); c.1572T>C, p.Thr524= (NM_001354664.2); c.1944T>C, p.Thr648= (NM_015560.3); c.1836T>C, p.Thr612= (NM_130831.3); c.1890T>C, p.Thr630= (NM_130832.3); c.1947T>C, p.Thr649= (NM_130833.3); c.1998T>C, p.Thr666= (NM_130834.3); and 2 more.
Identifiers: ClinVar variation 1591952 (VCV001591952.10), dbSNP rs373522599, ClinGen allele CA2759583.

ClinVar aggregate classification (germline): Likely benign. Review status: criteria provided, multiple submitters, no conflicts (2 of 4 stars). 3 submissions from 3 submitters: Likely benign (3). Last evaluated 2026-09-01.

Conditions:
OPA1-related disorder. Also called: OPA1-related condition; OPA1-related disorders.

Allele frequency attached by ClinVar (database versions not stated): gnomAD exomes 0.00005 and 0.00004; ESP Exome Variant Server 0.00008; gnomAD 0.00003; TOPMed 0.00003; ExAC 0.00004.
gnomAD v4.1: 73 of 1,613,884 alleles (0.0045%); highest among the groups gnomAD compares: Non-Finnish European, 0.0059%; no homozygotes.

Submissions (3):

PreventionGenetics, part of Exact Sciences
Classification: Likely benign for OPA1-related condition. Last evaluated: 2026-09-01. Review status: criteria provided, single submitter. Criteria: ACMG Guidelines, 2015. Collection method: clinical testing. Allele origin: germline.
Comment: This variant is classified as likely benign based on ACMG/AMP sequence variant interpretation guidelines (Richards et al. 2015 PMID: 25741868, with internal and published modifications).

Labcorp Genetics (formerly Invitae), Labcorp
Classification: Likely benign. Last evaluated: 2025-11-24. Review status: criteria provided, single submitter. Criteria: Invitae Variant Classification Sherloc (09022015). Collection method: clinical testing. Allele origin: germline.

Blueprint Genetics
Classification: Likely benign. Last evaluated: 2024-08-15. Review status: criteria provided, single submitter. Criteria: ACMG Guidelines, 2015. Collection method: clinical testing. Allele origin: germline.